The following is an entry in ClinVar:

NM_001041.4(SI):c.3211C>G (p.Pro1071Ala)

Gene: SI (sucrase-isomaltase; minus strand). Cytogenetic location: 3q26.1.
Variant type: single nucleotide variant.
Coding change: c.3211C>G on transcript NM_001041.4 (MANE Select); coding-DNA position 3211, C replaced by G.
Protein change: p.Pro1071Ala; replaces proline 1071 with alanine.
Molecular consequence: missense variant.
Genome position (GRCh38, 1-based): chr3:165,021,272, G>C on the plus strand (C>G on the coding strand, the complement: SI is on the minus strand). VCF-style: chr3-165021272-G-C. GRCh37 (hg19) VCF-style: chr3-164739060-G-C.
Other names: c.3211C>G (NM_001041.3); short protein forms P1071A.
Identifiers: ClinVar variation 1379187 (VCV001379187.8), dbSNP rs768100667, ClinGen allele CA2690352.

ClinVar aggregate classification (germline): Uncertain significance. Review status: criteria provided, multiple submitters, no conflicts (2 of 4 stars). 3 submissions from 3 submitters: Uncertain significance (3). Last evaluated 2025-07-15.

Conditions:
Inborn genetic diseases. Identifiers: MedGen C0950123, MeSH D030342.
Sucrase-isomaltase deficiency (CSID). Also called: SI DEFICIENCY; Congenital sucrose isomaltose malabsorption; Sucrose isomaltose enzyme deficiency; Deficiency of isomaltase. Identifiers: Orphanet 35122, MedGen C1283620, MONDO:0009114, OMIM 222900.

Allele frequency attached by ClinVar (database versions not stated): gnomAD 0.00002 and 0.00003; TOPMed 0.00003.
gnomAD v4.1: 10 of 1,611,192 alleles (0.00062%); highest among the groups gnomAD compares: Admixed American, 0.005%; no homozygotes.

Submissions (3):

Ambry Genetics
Classification: Uncertain significance for Inborn genetic diseases. Last evaluated: 2025-07-15. Review status: criteria provided, single submitter. Criteria: Ambry Variant Classification Scheme 2023. Collection method: clinical testing. Allele origin: germline.

Labcorp Genetics (formerly Invitae), Labcorp
Classification: Uncertain significance. Last evaluated: 2024-11-05. Review status: criteria provided, single submitter. Criteria: Invitae Variant Classification Sherloc (09022015). Collection method: clinical testing. Allele origin: germline.
Comment: This sequence change replaces proline, which is neutral and non-polar, with alanine, which is neutral and non-polar, at codon 1071 of the SI protein (p.Pro1071Ala). This variant is present in population databases (rs768100667, gnomAD 0.009%). This variant has not been reported in the literature in individuals affected with SI-related conditions. ClinVar contains an entry for this variant (Variation ID: 1379187). Invitae Evidence Modeling of protein sequence and biophysical properties (such as structural, functional, and spatial information, amino acid conservation, physicochemical variation, residue mobility, and thermodynamic stability) indicates that this missense variant is expected to disrupt SI protein function with a positive predictive value of 95%. In summary, the available evidence is currently insufficient to determine the role of this variant in disease. Therefore, it has been classified as a Variant of Uncertain Significance.

Fulgent Genetics
Classification: Uncertain significance for Sucrase-isomaltase deficiency. Last evaluated: 2022-01-10. Review status: criteria provided, single submitter. Criteria: ACMG Guidelines, 2015. Collection method: clinical testing. Allele origin: unknown.